The following is an entry in ClinVar:

NM_001621.5(AHR):c.621G>C (p.Gln207His)

Gene: AHR (aryl hydrocarbon receptor; plus strand). Cytogenetic location: 7p21.1.
Variant type: single nucleotide variant.
Coding change: c.621G>C on transcript NM_001621.5 (MANE Select); coding-DNA position 621, G replaced by C.
Protein change: p.Gln207His; replaces glutamine 207 with histidine.
Molecular consequence: missense variant.
Genome position (GRCh38, 1-based): chr7:17,330,802, G>C. VCF-style: chr7-17330802-G-C. GRCh37 (hg19) VCF-style: chr7-17370426-G-C.
Other names: short protein forms Q207H.
Identifiers: ClinVar variation 857279 (VCV000857279.9), dbSNP rs970407246, ClinGen allele CA366891722.

ClinVar aggregate classification (germline): Uncertain significance (1 of 4 stars; one submission).

Allele frequency attached by ClinVar (database versions not stated): gnomAD exomes below 0.00001; gnomAD 0.00001.
gnomAD v4.1: 3 of 1,612,298 alleles (0.00019%); highest among the groups gnomAD compares: South Asian, 0.0033%; no homozygotes.

Submission:

Labcorp Genetics (formerly Invitae), Labcorp
Classification: Uncertain significance. Last evaluated: 2023-07-21. Review status: criteria provided, single submitter. Criteria: Invitae Variant Classification Sherloc (09022015). Collection method: clinical testing. Allele origin: germline.
Comment: In summary, the available evidence is currently insufficient to determine the role of this variant in disease. Therefore, it has been classified as a Variant of Uncertain Significance. An algorithm developed to predict the effect of missense changes on protein structure and function (PolyPhen-2) suggests that this variant is likely to be tolerated. ClinVar contains an entry for this variant (Variation ID: 857279). This variant has not been reported in the literature in individuals affected with AHR-related conditions. This variant is present in population databases (no rsID available, gnomAD 0.003%). This sequence change replaces glutamine, which is neutral and polar, with histidine, which is basic and polar, at codon 207 of the AHR protein (p.Gln207His).